The following is an entry in ClinVar:

ClinVar aggregate classification (germline): Likely benign (1 of 4 stars; one submission).

Conditions:
RNF213-related disorder. Also called: RNF213-related condition.

gnomAD v4.1: 342 of 1,614,100 alleles (0.021%); highest among the groups gnomAD compares: South Asian, 0.35%; 2 homozygotes.

Submission:

PreventionGenetics, part of Exact Sciences
Classification: Likely benign for RNF213-related condition. Last evaluated: 2025-07-31. Review status: criteria provided, single submitter. Criteria: ACMG Guidelines, 2015. Collection method: clinical testing. Allele origin: germline.
Comment: This variant is classified as likely benign based on ACMG/AMP sequence variant interpretation guidelines (Richards et al. 2015 PMID: 25741868, with internal and published modifications).

NM_001256071.3(RNF213):c.14027A>G (p.Asn4676Ser)

Genes: RNF213 (ring finger protein 213; plus strand), RNF213-AS1 (RNF213 antisense RNA 1; minus strand). Cytogenetic location: 17q25.3.
Variant type: single nucleotide variant.
Coding change: c.14027A>G on transcript NM_001256071.3 (MANE Select); coding-DNA position 14027, A replaced by G.
Protein change: p.Asn4676Ser; replaces asparagine 4676 with serine.
Molecular consequence: missense variant.
Genome position (GRCh38, 1-based): chr17:80,383,027, A>G. VCF-style: chr17-80383027-A-G. GRCh37 (hg19) VCF-style: chr17-78356827-A-G.
Other names: c.14174A>G, p.Asn4725Ser (NM_001410195.1, NM_020914.5); short protein forms N4725S, N4676S.
Identifiers: ClinVar variation 4979209 (VCV004979209.1).